The following is an entry in ClinVar:

ClinVar aggregate classification (germline): Likely benign. Review status: criteria provided, multiple submitters, no conflicts (2 of 4 stars). 4 submissions from 4 submitters: Likely benign (4). Last evaluated 2026-04-28.

Conditions:
Inborn genetic diseases. Identifiers: MedGen C0950123, MeSH D030342.

Allele frequency attached by ClinVar (database versions not stated): gnomAD exomes 0.00013 and 0.00041; TOPMed 0.00014; gnomAD 0.00018 and 0.00029; ExAC 0.00051; 1000 Genomes Project 0.00200; 1000 Genomes Project 30x 0.00203.
gnomAD v4.1: 252 of 1,613,928 alleles (0.016%); highest among the groups gnomAD compares: East Asian, 0.15%; no homozygotes.

Submissions (5):

Women's Health and Genetics/Laboratory Corporation of America, LabCorp
Classification: Likely benign. Last evaluated: 2026-04-28. Review status: criteria provided, single submitter. Criteria: LabCorp Variant Classification Summary - May 2015. Collection method: clinical testing. Allele origin: germline.
Comment: Variant summary: PCLO c.6269A>T (p.Asp2090Val) results in a non-conservative amino acid change in the encoded protein sequence. Algorithms developed to predict the effect of missense changes on protein structure and function are either unavailable or do not agree on the potential impact of this missense change. The variant allele was found at a frequency of 0.00041 in 248508 control chromosomes, predominantly at a frequency of 0.0025 within the East Asian subpopulation in the gnomAD database. The observed variant frequency within East Asian control individuals in the gnomAD database exceeds the estimated maximal expected allele frequency for disease-causing variants in PCLO. To our knowledge, no occurrence of c.6269A>T in individuals affected with PCLO-related conditions and no experimental evidence demonstrating its impact on protein function have been reported. ClinVar contains an entry for this variant (Variation ID: 1656051). Based on the evidence outlined above, the variant was classified as likely benign.

Labcorp Genetics (formerly Invitae), Labcorp
Classification: Likely benign. Last evaluated: 2025-12-28. Review status: criteria provided, single submitter. Criteria: Invitae Variant Classification Sherloc (09022015). Collection method: clinical testing. Allele origin: germline.

Ambry Genetics
Classification: Likely benign for Inborn genetic diseases. Last evaluated: 2022-01-19. Review status: criteria provided, single submitter. Criteria: Ambry Variant Classification Scheme 2023. Collection method: clinical testing. Allele origin: germline.

Breakthrough Genomics
Classification: Likely benign. Review status: criteria provided, single submitter. Criteria: ACMG Guidelines, 2015. Collection method: not provided. Allele origin: germline. Inheritance: Autosomal recessive inheritance. Affected: yes.

Dr. Peter K. Rogan Lab, Western University
No classification provided (evidence only). Condition: Malignant tumor of esophagus. Review status: no classification provided. Collection method: in vitro. Allele origin: not applicable. Functional consequence: retained intron. Not counted in ClinVar's aggregate classification.

NM_033026.6(PCLO):c.6269A>T (p.Asp2090Val)

Gene: PCLO (piccolo presynaptic cytomatrix protein; minus strand). Cytogenetic location: 7q21.11.
Variant type: single nucleotide variant.
Coding change: c.6269A>T on transcript NM_033026.6 (MANE Select); coding-DNA position 6269, A replaced by T.
Protein change: p.Asp2090Val; replaces aspartic acid 2090 with valine.
Molecular consequence: missense variant.
Genome position (GRCh38, 1-based): chr7:82,954,684, T>A on the plus strand (A>T on the coding strand, the complement: PCLO is on the minus strand). VCF-style: chr7-82954684-T-A. GRCh37 (hg19) VCF-style: chr7-82584000-T-A.
Other names: c.6269A>T (NM_033026.5); c.6269A>T, p.Asp2090Val (NM_014510.3); short protein forms D2090V.
Identifiers: ClinVar variation 1656051 (VCV001656051.12), dbSNP rs143208658, ClinGen allele CA4320503.